The following is an entry in ClinVar:

ClinVar aggregate classification (germline): Uncertain significance (1 of 4 stars; one submission).

gnomAD v4.1: 2 of 1,614,172 alleles (0.00012%); highest among the groups gnomAD compares: Non-Finnish European, 0.00017%; no homozygotes.

Submission:

Dasa
Classification: Uncertain significance. Last evaluated: 2025-09-11. Review status: criteria provided, single submitter. Criteria: DASA Assertion Criteria. Collection method: clinical testing. Allele origin: germline.
Comment: NM_001354483.2(CSGALNACT1):c.628A>G (p.Ile210Val) is a missense variant that results in the substitution of isoleucine with valine. This variant is rare in population databases. Computational prediction algorithms are consistent with a benign effect. The currently available literature and clinical evidence are not sufficient to establish a definitive association between this variant and the reported condition. Therefore, this variant is classified as a variant of uncertain significance.

NM_001354483.2(CSGALNACT1):c.628A>G (p.Ile210Val)

Gene: CSGALNACT1 (chondroitin sulfate N-acetylgalactosaminyltransferase 1; minus strand). Cytogenetic location: 8p21.3.
Variant type: single nucleotide variant.
Coding change: c.628A>G on transcript NM_001354483.2 (MANE Select); coding-DNA position 628, A replaced by G.
Protein change: p.Ile210Val; replaces isoleucine 210 with valine.
Molecular consequence: missense variant. On other transcripts: non-coding transcript variant (7).
Genome position (GRCh38, 1-based): chr8:19,505,207, T>C on the plus strand (A>G on the coding strand, the complement: CSGALNACT1 is on the minus strand). VCF-style: chr8-19505207-T-C. GRCh37 (hg19) VCF-style: chr8-19362718-T-C.
Other names: c.628A>G, p.Ile210Val (NM_001130518.2, NM_001354475.2, NM_001354476.2 and 18 more transcripts); short protein forms I210V.
Identifiers: ClinVar variation 4885069 (VCV004885069.2).